The following is an entry in ClinVar:

NM_005228.5(EGFR):c.3061C>T (p.Gln1021Ter)

Gene: EGFR (epidermal growth factor receptor; plus strand). Cytogenetic location: 7p11.2.
Variant type: single nucleotide variant.
Coding change: c.3061C>T on transcript NM_005228.5 (MANE Select); coding-DNA position 3061, C replaced by T.
Protein change: p.Gln1021Ter; replaces glutamine 1021 with a stop codon.
Molecular consequence: nonsense.
Genome position (GRCh38, 1-based): chr7:55,201,302, C>T. VCF-style: chr7-55201302-C-T. GRCh37 (hg19) VCF-style: chr7-55268995-C-T.
Other names: c.2926C>T, p.Gln976Ter (NM_001346897.2, NM_001346899.2); c.3061C>T, p.Gln1021Ter (NM_001346898.2); c.2902C>T, p.Gln968Ter (NM_001346900.2); c.2260C>T, p.Gln754Ter (NM_001346941.2); short protein forms Q976*, Q1021*, Q754*, Q968*.
Identifiers: ClinVar variation 1441678 (VCV001441678.6), dbSNP rs2128971690, ClinGen allele CA367582594.

ClinVar aggregate classification (germline): Pathogenic (1 of 4 stars; one submission).

Conditions:
EGFR-related lung cancer (EGFR). Identifiers: MedGen CN130014.

Submission:

Labcorp Genetics (formerly Invitae), Labcorp
Classification: Pathogenic for EGFR-related lung cancer. Last evaluated: 2021-09-27. Review status: criteria provided, single submitter. Criteria: Invitae Variant Classification Sherloc (09022015). Collection method: clinical testing. Allele origin: germline.
Comment: This variant is not present in population databases (ExAC no frequency). This sequence change creates a premature translational stop signal (p.Gln1021*) in the EGFR gene. It is expected to result in an absent or disrupted protein product. Loss-of-function variants in EGFR are known to be pathogenic (PMID: 7630400, 28726809, 29899996). This variant has not been reported in the literature in individuals affected with EGFR-related conditions. For these reasons, this variant has been classified as Pathogenic. Algorithms developed to predict the effect of sequence changes on RNA splicing suggest that this variant may create or strengthen a splice site.

Literature cited by the submitters: PubMed 7630400; PubMed 28726809; PubMed 29899996.